The following is an entry in ClinVar:

NM_206933.4(USH2A):c.3081delinsGTATAAGAGACAGT (p.Thr1028fs)

Genes: USH2A (usherin; minus strand), USH2A-AS1 (USH2A antisense RNA 1; plus strand). Cytogenetic location: 1q41.
Variant type: Indel.
Coding change: c.3081delinsGTATAAGAGACAGT on transcript NM_206933.4 (MANE Select); coding-DNA position 3081, C replaced by GTATAAGAGACAGT.
Protein change: p.Thr1028fs; shifts the reading frame from threonine 1028.
Molecular consequence: frameshift variant.
Genome position (GRCh38, 1-based): chr1:216,217,463, G replaced by ACTGTCTCTTATAC on the plus strand (C replaced by GTATAAGAGACAGT on the coding strand, the reverse complement: USH2A is on the minus strand). VCF-style: chr1-216217463-G-ACTGTCTCTTATAC. GRCh37 (hg19) VCF-style: chr1-216390805-G-ACTGTCTCTTATAC.
Other names: c.3081delinsGTATAAGAGACAGT, p.Thr1028fs (NM_007123.6); short protein forms T1028fs.
Identifiers: ClinVar variation 1725730 (VCV001725730.2), dbSNP rs2528087518, ClinGen allele CA2580062149.
Genomic context (GRCh38, chr1:216,217,463, plus strand): 5'-TAGATTGTTGACATCCAAGTGGCTTGCACTGGGAACACAAGCATCACACTTTGAGCCAGT[G>ACTGTCTCTTATAC]ACAAATTGTTTACAGAAACACTGGCCTGTGACCAAGTGACAGGTTTCATTCAAGGCTCCT-3'

ClinVar aggregate classification (germline): Likely pathogenic (1 of 4 stars; one submission).

Conditions:
Usher syndrome type 2A. Also called: RETINAL DISEASE IN USHER SYNDROME TYPE IIA, MODIFIER OF; USHER SYNDROME, TYPE IIA. Identifiers: Orphanet 231178, Orphanet 886, MedGen C1848634, MONDO:0010169, OMIM 276901.

Submission:

Myriad Genetics, Inc.
Classification: Likely pathogenic for Usher syndrome type 2A. Last evaluated: 2022-03-31. Review status: criteria provided, single submitter. Criteria: Myriad Women's Health Autosomal Recessive and X-Linked Classification Criteria (2021). Collection method: clinical testing. Allele origin: unknown.
Comment: NM_206933.2(USH2A):c.3081del1ins14(T1028Yfs*10) is expected to be pathogenic in the context of USH2A-related disorders. This variant is predicted to lead to an abnormal or absent protein product due to the creation of a premature termination codon in USH2A, a gene where loss-of-function variants are known to be pathogenic. Please note: this variant was assessed in the context of healthy population screening.